The following is an entry in ClinVar:

NM_014956.5(CEP164):c.3609+1G>T

Gene: CEP164 (centrosomal protein 164; plus strand). Cytogenetic location: 11q23.3.
Variant type: single nucleotide variant.
Coding change: c.3609+1G>T on transcript NM_014956.5 (MANE Select); the canonical splice donor site of the intron after coding-DNA position 3609, G replaced by T.
Molecular consequence: splice donor variant.
Genome position (GRCh38, 1-based): chr11:117,408,033, G>T. VCF-style: chr11-117408033-G-T. GRCh37 (hg19) VCF-style: chr11-117278749-G-T.
Other names: c.3618+1G>T (NM_001271933.2).
Identifiers: ClinVar variation 2727138 (VCV002727138.3), dbSNP rs1313027554, ClinGen allele CA382740959.

ClinVar aggregate classification (germline): Likely pathogenic (1 of 4 stars; one submission).

Conditions:
Nephronophthisis 15 (NPHP15). Identifiers: Orphanet 3156, MedGen C3541853, MONDO:0013917, OMIM 614845.

Allele frequency attached by ClinVar (database versions not stated): gnomAD 0.00001; TOPMed 0.00001.
gnomAD v4.1: 9 of 1,577,144 alleles (0.00057%); highest among the groups gnomAD compares: Non-Finnish European, 0.00078%; no homozygotes.

Submission:

Labcorp Genetics (formerly Invitae), Labcorp
Classification: Likely pathogenic for Nephronophthisis 15. Last evaluated: 2023-05-27. Review status: criteria provided, single submitter. Criteria: Invitae Variant Classification Sherloc (09022015). Collection method: clinical testing. Allele origin: germline.
Comment: This variant is not present in population databases (gnomAD no frequency). This sequence change affects a donor splice site in intron 28 of the CEP164 gene. It is expected to disrupt RNA splicing. Variants that disrupt the donor or acceptor splice site typically lead to a loss of protein function (PMID: 16199547), and loss-of-function variants in CEP164 are known to be pathogenic (PMID: 22863007, 28125082, 32367404, 34132027, 34499853). This variant has not been reported in the literature in individuals affected with CEP164-related conditions. In summary, the currently available evidence indicates that the variant is pathogenic, but additional data are needed to prove that conclusively. Therefore, this variant has been classified as Likely Pathogenic. Algorithms developed to predict the effect of sequence changes on RNA splicing suggest that this variant may disrupt the consensus splice site.

Literature cited by the submitters: PubMed 16199547; PubMed 22863007; PubMed 28125082; PubMed 32367404; PubMed 34132027; PubMed 34499853.